The following is an entry in ClinVar:

ClinVar aggregate classification (germline): Conflicting classifications of pathogenicity. Review status: criteria provided, conflicting classifications (1 of 4 stars). 3 submissions from 3 submitters: Likely pathogenic (1); Uncertain significance (1). 1 of the submissions does not count toward it. Last evaluated 2022-03-27.

Conditions:
Familial long QT syndrome (RWS). Also called: Congenital long QT syndrome; Romano-Ward syndrome; VENTRICULAR FIBRILLATION WITH PROLONGED QT INTERVAL. Identifiers: Orphanet 768, MedGen C1141890, MONDO:0019171.
Long QT syndrome (LQTS). Identifiers: MedGen C0023976, MeSH D008133, MONDO:0002442. Disease mechanism: loss of function. Inheritance: Various modes of inheritance.
Long QT syndrome 2 (LQT2). Identifiers: Orphanet 101016, Orphanet 768, MedGen C3150943, MONDO:0013367, OMIM 613688.

Submissions (3):

Labcorp Genetics (formerly Invitae), Labcorp
Classification: Uncertain significance for Long QT syndrome. Last evaluated: 2022-03-27. Review status: criteria provided, single submitter. Criteria: Invitae Variant Classification Sherloc (09022015). Collection method: clinical testing. Allele origin: germline.
Comment: ClinVar contains an entry for this variant (Variation ID: 67318). This missense change has been observed in individual(s) with long QT syndrome (PMID: 9024139). This variant is not present in population databases (gnomAD no frequency). This sequence change replaces valine, which is neutral and non-polar, with leucine, which is neutral and non-polar, at codon 630 of the KCNH2 protein (p.Val630Leu). Algorithms developed to predict the effect of missense changes on protein structure and function are either unavailable or do not agree on the potential impact of this missense change (SIFT: "Deleterious"; PolyPhen-2: "Possibly Damaging"; Align-GVGD: "Class C0"). In summary, the available evidence is currently insufficient to determine the role of this variant in disease. Therefore, it has been classified as a Variant of Uncertain Significance. This variant disrupts the p.Val630 amino acid residue in KCNH2. Other variant(s) that disrupt this residue have been determined to be pathogenic (PMID: 9693036, 16432067, 23303164). This suggests that this residue is clinically significant, and that variants that disrupt this residue are likely to be disease-causing. Experimental studies have shown that this missense change affects KCNH2 function (PMID: 9721698, 16432067, 23303164).

Victorian Clinical Genetics Services, Murdoch Childrens Research Institute
Classification: Likely pathogenic for Long QT syndrome 2. Last evaluated: 2020-07-02. Review status: criteria provided, single submitter. Criteria: ACMG Guidelines, 2015. Collection method: clinical testing. Allele origin: germline. Inheritance: Autosomal dominant inheritance.
Comment: Based on the classification scheme VCGS_Germline_v1.3.3, this variant is classified as likely pathogenic. Following criteria are met: 0102 - Loss of function is a known mechanism of disease in this gene and is associated with long QT syndrome type 2. (I) 0107 - This gene is associated with autosomal dominant disease. (I) 0112 - The condition associated with this gene has incomplete penetrance (GeneReviews). (I) 0200 - Variant is predicted to result in a missense amino acid change from valine to leucine. (I) 0251 - This variant is heterozygous. (I) 0301 - Variant is absent from gnomAD (both v2 and v3). (SP) 0309 - An alternative amino acid change at the same position has been observed in gnomAD (v2) (7 heterozygotes, 0 homozygotes). (I) 0501 - Missense variant consistently predicted to be damaging by multiple in silico tools or highly conserved with a major amino acid change. Highly conserved, minor amino acid change. (SP) 0600 - Variant is located in the annotated pore domain (PDB). (I) 0703 – Other missense variants comparable to the one identified in this case have moderate previous evidence for pathogenicity. p.(Val630Ile) has two likely pathogenic entries in ClinVar and has been classified as pathogenic in a sudden arrhythmic death patient (PMID: 28449774). p.(Val630Ala) has been reported in two LQTS patients, one being de novo (PMID: 15840476, 9693036). (SP) 0803 - This variant has limited previous evidence of pathogenicity in an unrelated individuals. (SP) 0905 - No published segregation evidence has been identified for this variant. (I) 1002 - This variant has moderate functional evidence supporting abnormal protein function. Functional evidence shows that this variant decreases slope conductance and negatively shifts steady-state inactivation (PMID: 9721698). (SP) 1208 - Inheritance information for this variant is not currently available in this individual. (I) Legend: (SP) - Supporting pathogenic, (I) - Information, (SB) - Supporting benign

Cardiovascular Biomedical Research Unit, Royal Brompton & Harefield NHS Foundation Trust
No classification provided. Condition: Familial long QT syndrome. Review status: no classification provided. Collection method: literature only. Allele origin: germline. Not counted in ClinVar's aggregate classification.
Comment: This variant has been reported as associated with Long QT syndrome in the following publications (PMID:9024139;PMID:16432067). This is a literature report, and does not necessarily reflect the clinical interpretation of the Imperial College / Royal Brompton Cardiovascular Genetics laboratory.

Literature cited by the submitters: PubMed 9024139 (cited by 3 submitters); PubMed 9693036 (cited by Labcorp Genetics (formerly Invitae), Labcorp and Victorian Clinical Genetics Services, Murdoch Childrens Research Institute); PubMed 16432067 (cited by Labcorp Genetics (formerly Invitae), Labcorp and Cardiovascular Biomedical Research Unit, Royal Brompton & Harefield NHS Foundation Trust); PubMed 23303164 (cited by Labcorp Genetics (formerly Invitae), Labcorp); PubMed 9721698 (cited by Labcorp Genetics (formerly Invitae), Labcorp and Victorian Clinical Genetics Services, Murdoch Childrens Research Institute); PubMed 15840476 (cited by Victorian Clinical Genetics Services, Murdoch Childrens Research Institute); PubMed 28449774 (cited by Victorian Clinical Genetics Services, Murdoch Childrens Research Institute); PubMed 22581653 (cited by Cardiovascular Biomedical Research Unit, Royal Brompton & Harefield NHS Foundation Trust).

NM_000238.4(KCNH2):c.1888G>C (p.Val630Leu)

Gene: KCNH2 (potassium voltage-gated channel subfamily H member 2; minus strand). Cytogenetic location: 7q36.1.
Variant type: single nucleotide variant.
Coding change: c.1888G>C on transcript NM_000238.4 (MANE Select); coding-DNA position 1888, G replaced by C.
Protein change: p.Val630Leu; replaces valine 630 with leucine.
Molecular consequence: missense variant.
Genome position (GRCh38, 1-based): chr7:150,951,505, C>G on the plus strand (G>C on the coding strand, the complement: KCNH2 is on the minus strand). VCF-style: chr7-150951505-C-G. GRCh37 (hg19) VCF-style: chr7-150648593-C-G.
Other names: c.1888G>C (LRG_288t1); c.868G>C, p.Val290Leu (NM_001204798.2, NM_172057.3); c.1600G>C, p.Val534Leu (NM_001406753.1, NM_001406756.1); c.1711G>C, p.Val571Leu (NM_001406755.1); c.1588G>C, p.Val530Leu (NM_001406757.1); c.1888G>C, p.Val630Leu (NM_172056.3); short protein forms V290L, V630L, V571L, V530L, V534L.
Identifiers: ClinVar variation 67318 (VCV000067318.9), dbSNP rs199472958, ClinGen allele CA005870.